The following is an entry in ClinVar:

NM_006231.4(POLE):c.6452A>T (p.Tyr2151Phe)

Gene: POLE (DNA polymerase epsilon, catalytic subunit; minus strand). Cytogenetic location: 12q24.33.
Variant type: single nucleotide variant.
Coding change: c.6452A>T on transcript NM_006231.4 (MANE Select); coding-DNA position 6452, A replaced by T.
Protein change: p.Tyr2151Phe; replaces tyrosine 2151 with phenylalanine.
Molecular consequence: missense variant.
Genome position (GRCh38, 1-based): chr12:132,626,196, T>A on the plus strand (A>T on the coding strand, the complement: POLE is on the minus strand). VCF-style: chr12-132626196-T-A. GRCh37 (hg19) VCF-style: chr12-133202782-T-A.
Other names: short protein forms Y2151F.
Identifiers: ClinVar variation 4672578 (VCV004672578.1).

ClinVar aggregate classification (germline): Uncertain significance (1 of 4 stars; one submission).

Conditions:
Hereditary cancer-predisposing syndrome. Also called: Neoplastic Syndromes, Hereditary; Tumor predisposition; Hereditary Cancer Syndrome; Hereditary neoplastic syndrome. Identifiers: Orphanet 140162, MedGen C0027672, MeSH D009386, MONDO:0015356.

Submission:

Ambry Genetics
Classification: Uncertain significance for Hereditary cancer-predisposing syndrome. Last evaluated: 2025-11-29. Review status: criteria provided, single submitter. Criteria: Ambry Variant Classification Scheme 2023. Collection method: clinical testing. Allele origin: germline.
Comment: The p.Y2151F variant (also known as c.6452A>T), located in coding exon 46 of the POLE gene, results from an A to T substitution at nucleotide position 6452. The tyrosine at codon 2151 is replaced by phenylalanine, an amino acid with highly similar properties. This amino acid position is conserved. In addition, this alteration is predicted to be tolerated by in silico analysis. Based on the available evidence, the clinical significance of this variant remains unclear.